The following is an entry in ClinVar:

ClinVar aggregate classification (germline): Pathogenic. Review status: criteria provided, multiple submitters, no conflicts (2 of 4 stars). 2 submissions from 2 submitters: Pathogenic (2). Last evaluated 2025-09-29.

Conditions:
Hereditary breast ovarian cancer syndrome. Also called: Hereditary breast and ovarian cancer syndrome (HBOC); BRCA1- and BRCA2-Associated Hereditary Breast and Ovarian Cancer; Hereditary breast and ovarian cancer syndrome; Breast and ovarian cancer; Hereditary breast and ovarian cancer; Hereditary breast and/or ovarian cancer syndrome. Identifiers: Orphanet 145, MedGen C0677776, MeSH D061325, MONDO:0003582. Disease mechanism: loss of function.
Hereditary cancer-predisposing syndrome. Also called: Hereditary neoplastic syndrome; Neoplastic Syndromes, Hereditary; Tumor predisposition; Hereditary Cancer Syndrome. Identifiers: Orphanet 140162, MedGen C0027672, MeSH D009386, MONDO:0015356.

Submissions (2):

Ambry Genetics
Classification: Pathogenic for Hereditary cancer-predisposing syndrome. Last evaluated: 2025-09-29. Review status: criteria provided, single submitter. Criteria: Ambry Variant Classification Scheme 2023. Collection method: clinical testing. Allele origin: germline.
Comment: The c.2147delA pathogenic mutation, located in coding exon 10 of the BRCA2 gene, results from a deletion of one nucleotide at nucleotide position 2147, causing a translational frameshift with a predicted alternate stop codon (p.Q716Rfs*14). This variant is considered to be rare based on population cohorts in the Genome Aggregation Database (gnomAD). This alteration is expected to result in loss of function by premature protein truncation or nonsense-mediated mRNA decay. As such, this alteration is interpreted as a disease-causing mutation.

Labcorp Genetics (formerly Invitae), Labcorp
Classification: Pathogenic for Hereditary breast ovarian cancer syndrome. Last evaluated: 2017-10-30. Review status: criteria provided, single submitter. Criteria: Invitae Variant Classification Sherloc (09022015). Collection method: clinical testing. Allele origin: germline.
Comment: For these reasons, this variant has been classified as Pathogenic. Loss-of-function variants in BRCA2 are known to be pathogenic (PMID: 20104584). This variant has not been reported in the literature in individuals with BRCA2-related disease. This variant is not present in population databases (ExAC no frequency). This sequence change creates a premature translational stop signal (p.Gln716Argfs*14) in the BRCA2 gene. It is expected to result in an absent or disrupted protein product.

Literature cited by the submitters: PubMed 20104584 (cited by Labcorp Genetics (formerly Invitae), Labcorp).

NM_000059.4(BRCA2):c.2147del (p.Gln716fs)

Gene: BRCA2 (BRCA2 DNA repair associated; plus strand). Cytogenetic location: 13q13.1.
Variant type: Deletion.
Coding change: c.2147del on transcript NM_000059.4 (MANE Select); coding-DNA position 2147, one base deleted (A; older notation c.2147delA).
Protein change: p.Gln716fs; shifts the reading frame from glutamine 716.
Molecular consequence: frameshift variant.
Genome position (GRCh38, 1-based): chr13:32,336,502, A deleted. VCF-style (leftmost placement, unchanged base first): chr13-32336501-CA-C. GRCh37 (hg19) VCF-style: chr13-32910638-CA-C.
Other names: c.2147delA (NM_000059.3); short protein forms Q716fs.
Identifiers: ClinVar variation 531233 (VCV000531233.12), dbSNP rs1555282477, ClinGen allele CA658798105.